The following is an entry in ClinVar:

ClinVar aggregate classification (germline): Benign. Review status: criteria provided, multiple submitters, no conflicts (2 of 4 stars). 6 submissions from 3 submitters: Benign (6). Last evaluated 2026-07-01.

Conditions:
Osteoglophonic dysplasia (OGD). Also called: Osteoglophonic dwarfism. Identifiers: Orphanet 2645, MedGen C0432283, MONDO:0008150, OMIM 166250.
Hypogonadotropic hypogonadism 2 with or without anosmia (HH2). Also called: HYPOGONADOTROPIC HYPOGONADISM 2 WITHOUT ANOSMIA; HYPOGONADOTROPIC HYPOGONADISM 2 WITH OR WITHOUT ANOSMIA, SUSCEPTIBILITY TO; HYPOGONADOTROPIC HYPOGONADISM 2 WITHOUT ANOSMIA, SUSCEPTIBILITY TO; FGFR1-Related GnRH Deficiency (Kallmann Syndrome 2). Identifiers: Orphanet 478, MedGen C1563720, MONDO:0007844, OMIM 147950. Disease mechanism: loss of function.
Trigonocephaly 1 (TRIGNO1). Identifiers: Orphanet 3366, MedGen C0432122, MONDO:0008603, OMIM 190440.
Craniosynostosis syndrome. Also called: Craniosynostosis. Identifiers: Orphanet 1531, MedGen C0010278, MeSH D003398, MONDO:0015469, HP:0001363.

Allele frequency attached by ClinVar (database versions not stated): TOPMed 0.00091; 1000 Genomes Project 30x 0.00250; gnomAD exomes 0.00281; 1000 Genomes Project 0.00319.

Submissions (6):

CeGaT Center for Human Genetics Tuebingen
Classification: Benign. Last evaluated: 2026-07-01. Review status: criteria provided, single submitter. Criteria: CeGaT Center For Human Genetics Tuebingen Variant Classification Criteria Version 2. Collection method: clinical testing. Allele origin: germline. Affected: yes. Observed: 7 variant alleles.
Comment: FGFR1: PP2, BS1, BS2

Illumina Laboratory Services, Illumina
Classification: Benign for Osteoglophonic dysplasia. Last evaluated: 2018-01-13. Review status: criteria provided, single submitter. Criteria: ICSL Variant Classification Criteria 13 December 2019. Collection method: clinical testing. Allele origin: germline.
Comment: This variant was observed in the ICSL laboratory as part of a predisposition screen in an ostensibly healthy population. It had not been previously curated by ICSL or reported in the Human Gene Mutation Database (HGMD: prior to June 1st, 2018), and was therefore a candidate for classification through an automated scoring system. Utilizing variant allele frequency, disease prevalence and penetrance estimates, and inheritance mode, an automated score was calculated to assess if this variant is too frequent to cause the disease. Based on the score and internal cut-off values, a variant classified as benign is not then subjected to further curation. The score for this variant resulted in a classification of benign for this disease.

Illumina Laboratory Services, Illumina
Classification: Benign for Hypogonadotropic hypogonadism 2 with or without anosmia. Last evaluated: 2018-01-13. Review status: criteria provided, single submitter. Criteria: ICSL Variant Classification Criteria 13 December 2019. Collection method: clinical testing. Allele origin: germline.
Comment: the same text as in the submission from Illumina Laboratory Services, Illumina above.

Illumina Laboratory Services, Illumina
Classification: Benign for Trigonocephaly 1. Last evaluated: 2018-01-13. Review status: criteria provided, single submitter. Criteria: ICSL Variant Classification Criteria 13 December 2019. Collection method: clinical testing. Allele origin: germline.
Comment: the same text as in the submission from Illumina Laboratory Services, Illumina above.

Illumina Laboratory Services, Illumina
Classification: Benign for Craniosynostosis. Last evaluated: 2018-01-13. Review status: criteria provided, single submitter. Criteria: ICSL Variant Classification Criteria 13 December 2019. Collection method: clinical testing. Allele origin: germline.
Comment: the same text as in the submission from Illumina Laboratory Services, Illumina above.

Breakthrough Genomics
Classification: Benign. Review status: criteria provided, single submitter. Criteria: ACMG Guidelines, 2015. Collection method: not provided. Allele origin: germline. Inheritance: Autosomal dominant inheritance. Affected: yes.

NM_023110.3(FGFR1):c.*1052C>T

Genes: FGFR1 (fibroblast growth factor receptor 1; minus strand), LOC102723716 (uncharacterized LOC102723716; minus strand). Cytogenetic location: 8p11.23.
Variant type: single nucleotide variant.
Coding change: c.*1052C>T on transcript NM_023110.3 (MANE Select); 1052 bases downstream of the stop codon, C replaced by T.
Molecular consequence: 3 prime UTR variant. On other transcripts: missense variant (3).
Genome position (GRCh38, 1-based): chr8:38,412,576, G>A on the plus strand (C>T on the coding strand, the complement: FGFR1 is on the minus strand). VCF-style: chr8-38412576-G-A. GRCh37 (hg19) VCF-style: chr8-38270094-G-A.
Other names: c.*1052C>T (NM_001174063.2, NM_001174064.2, NM_001174065.2 and 6 more transcripts); c.2306C>T, p.Thr769Met (NM_001354367.2); c.2300C>T, p.Thr767Met (NM_001354369.2); c.2039C>T, p.Thr680Met (NM_001354370.2); short protein forms T767M, T769M, T680M.
Identifiers: ClinVar variation 362873 (VCV000362873.28), dbSNP rs17176088, ClinGen allele CA10627724.